The following is an entry in ClinVar:

NM_001271803.2(REEP2):c.616C>T (p.Arg206Trp)

Gene: REEP2 (receptor accessory protein 2; plus strand). Cytogenetic location: 5q31.2.
Variant type: single nucleotide variant.
Coding change: c.616C>T on transcript NM_001271803.2 (MANE Select); coding-DNA position 616, C replaced by T.
Protein change: p.Arg206Trp; replaces arginine 206 with tryptophan.
Molecular consequence: missense variant. On other transcripts: non-coding transcript variant (2).
Genome position (GRCh38, 1-based): chr5:138,445,518, C>T. VCF-style: chr5-138445518-C-T. GRCh37 (hg19) VCF-style: chr5-137781207-C-T.
Other names: c.610C>T, p.Arg204Trp (NM_016606.4); short protein forms R204W, R206W.
Identifiers: ClinVar variation 3629905 (VCV003629905.1).

ClinVar aggregate classification (germline): Uncertain significance (1 of 4 stars; one submission).

gnomAD v4.1: 23 of 1,614,052 alleles (0.0014%); highest among the groups gnomAD compares: Admixed American, 0.005%; no homozygotes.

Submission:

Women's Health and Genetics/Laboratory Corporation of America, LabCorp
Classification: Uncertain significance. Last evaluated: 2024-11-25. Review status: criteria provided, single submitter. Criteria: LabCorp Variant Classification Summary - May 2015. Collection method: clinical testing. Allele origin: germline.
Comment: Variant summary: REEP2 c.616C>T (p.Arg206Trp) results in a non-conservative amino acid change in the encoded protein sequence. Five of five in-silico tools predict a damaging effect of the variant on protein function. The variant allele was found at a frequency of 2.8e-05 in 251414 control chromosomes. The available data on variant occurrences in the general population are insufficient to allow any conclusion about variant significance. To our knowledge, no occurrence of c.616C>T in individuals affected with Hereditary Spastic Paraplegia 72 and no experimental evidence demonstrating its impact on protein function have been reported. No submitters have cited clinical-significance assessments for this variant to ClinVar. Based on the evidence outlined above, the variant was classified as uncertain significance.